The following is an entry in ClinVar:

ClinVar aggregate classification (germline): Uncertain significance (1 of 4 stars; one submission).

gnomAD v4.1: 1 of 1,547,798 alleles (0.000065%); highest among the groups gnomAD compares: Non-Finnish European, 0.000087%; no homozygotes.

Submission:

ARUP Laboratories, Molecular Genetics and Genomics, ARUP Laboratories
Classification: Uncertain significance. Last evaluated: 2025-05-20. Review status: criteria provided, single submitter. Criteria: ARUP Molecular Germline Variant Investigation Process 2024. Collection method: clinical testing. Allele origin: germline.
Comment: The TTN c.40271C>T; p.Pro13424Leu variant (rs2062025633) is rare in the general population (<0.2% allele frequency in the Genome Aggregation Database) and has not been reported in the medical literature in association with dilated cardiomyopathy (DCM) or other TTN-related disease. The clinical relevance of rare missense variants in this gene, which are identified on average once per individual sequenced in affected populations (Herman 2012), is not well understood. Yet, evidence suggests that the vast majority of such missense variants do not contribute to the clinical outcome of DCM (Begay 2015). Thus, the clinical significance of the p.Pro13424Leu variant cannot be determined with certainty. References: Begay RL et al. Role of Titin Missense Variants in Dilated Cardiomyopathy. J Am Heart Assoc. 2015 Nov 13;4(11). PMID: 26567375. Herman DS et al. Truncations of titin causing dilated cardiomyopathy. N Engl J Med. 2012 Feb 16;366(7):619-28. PMID: 22335739. Linke WA and Hamdani N. Gigantic business: titin properties and function through thick and thin. Circ Res 2014; 114(6): 1052-1068. PMID: 24625729.

NM_001267550.2(TTN):c.40271C>T (p.Pro13424Leu)

Gene: TTN (titin; minus strand). Cytogenetic location: 2q31.2.
Variant type: single nucleotide variant.
Coding change: c.40271C>T on transcript NM_001267550.2 (MANE Select); coding-DNA position 40271, C replaced by T.
Protein change: p.Pro13424Leu; replaces proline 13424 with leucine.
Molecular consequence: missense variant. On other transcripts: intron variant (5).
Genome position (GRCh38, 1-based): chr2:178,646,511, G>A on the plus strand (C>T on the coding strand, the complement: TTN is on the minus strand). VCF-style: chr2-178646511-G-A. GRCh37 (hg19) VCF-style: chr2-179511238-G-A.
Other names: c.13283-4194C>T (NM_003319.4); c.13859-4194C>T (NM_133437.4); c.13658-4194C>T (NM_133432.3); c.32594-481C>T (NM_133378.4); c.35375-481C>T (NM_001256850.1); short protein forms P13424L.
Identifiers: ClinVar variation 4685827 (VCV004685827.1).